The following is an entry in ClinVar:

NM_001330588.2(TPP2):c.107G>C (p.Arg36Pro)

Gene: TPP2 (tripeptidyl peptidase 2; plus strand). Cytogenetic location: 13q33.1.
Variant type: single nucleotide variant.
Coding change: c.107G>C on transcript NM_001330588.2 (MANE Select); coding-DNA position 107, G replaced by C.
Protein change: p.Arg36Pro; replaces arginine 36 with proline.
Molecular consequence: missense variant. On other transcripts: non-coding transcript variant (1).
Genome position (GRCh38, 1-based): chr13:102,597,145, G>C. VCF-style: chr13-102597145-G-C. GRCh37 (hg19) VCF-style: chr13-103249495-G-C.
Other names: c.107G>C, p.Arg36Pro (NM_001367947.1, NM_003291.4); short protein forms R36P.
Identifiers: ClinVar variation 1379871 (VCV001379871.4), dbSNP rs746606393, ClinGen allele CA7037404.

ClinVar aggregate classification (germline): Uncertain significance (1 of 4 stars; one submission).

Conditions:
Evans syndrome, immunodeficiency, and premature immunosenescence associated with tripeptidyl-peptidase II deficiency. Identifiers: MedGen CN231723. Disease mechanism: loss of function.

Allele frequency attached by ClinVar (database versions not stated): ExAC 0.00001; gnomAD exomes 0.00002 and 0.00003; TOPMed 0.00003.
gnomAD v4.1: 35 of 1,606,744 alleles (0.0022%); highest among the groups gnomAD compares: Non-Finnish European, 0.00059%; no homozygotes.

Submission:

Labcorp Genetics (formerly Invitae), Labcorp
Classification: Uncertain significance for Evans syndrome, immunodeficiency, and premature immunosenescence associated with tripeptidyl-peptidase II deficiency. Last evaluated: 2025-07-30. Review status: criteria provided, single submitter. Criteria: Invitae Variant Classification Sherloc (09022015). Collection method: clinical testing. Allele origin: germline.
Comment: This sequence change replaces arginine, which is basic and polar, with proline, which is neutral and non-polar, at codon 36 of the TPP2 protein (p.Arg36Pro). This variant is present in population databases (rs746606393, gnomAD 0.05%). This variant has not been reported in the literature in individuals affected with TPP2-related conditions. ClinVar contains an entry for this variant (Variation ID: 1379871). An algorithm developed to predict the effect of missense changes on protein structure and function (PolyPhen-2) suggests that this variant is likely to be disruptive. In summary, the available evidence is currently insufficient to determine the role of this variant in disease. Therefore, it has been classified as a Variant of Uncertain Significance.